The following is an entry in ClinVar:

NM_005257.6(GATA6):c.1100G>C (p.Gly367Ala)

Gene: GATA6 (GATA binding protein 6; plus strand). Cytogenetic location: 18q11.2.
Variant type: single nucleotide variant.
Coding change: c.1100G>C on transcript NM_005257.6 (MANE Select); coding-DNA position 1100, G replaced by C.
Protein change: p.Gly367Ala; replaces glycine 367 with alanine.
Molecular consequence: missense variant.
Genome position (GRCh38, 1-based): chr18:22,172,244, G>C. VCF-style: chr18-22172244-G-C. GRCh37 (hg19) VCF-style: chr18-19752205-G-C.
Other names: short protein forms G367A.
Identifiers: ClinVar variation 581351 (VCV000581351.6), dbSNP rs1293318805, ClinGen allele CA401801809.
Genomic context (GRCh38, chr18:22,172,244, plus strand): 5'-CTGCCTGGCCCGCCGGACCCTTCGAGACCCCGGTGCTGCACAGCCTGCAGAGCCGCGCCG[G>C]AGCCCCGCTCCCGGTGCCCCGGGGTCCCAGTGCAGGTAAGGGTCGCGCCTCAGGTTCGGG-3'
Protein context (NP_005248.2, residues 357-377): PVLHSLQSRA[Gly367Ala]APLPVPRGPS

ClinVar aggregate classification (germline): Uncertain significance (1 of 4 stars; one submission).

Conditions:
Atrioventricular septal defect 5 (AVSD5). Identifiers: MedGen C3280939, MONDO:0013769, OMIM 614474.

Allele frequency attached by ClinVar (database versions not stated): gnomAD 0.00001; TOPMed 0.00001.
gnomAD v4.1: 7 of 1,533,770 alleles (0.00046%); highest among the groups gnomAD compares: Non-Finnish European, 0.00061%; no homozygotes.

Submission:

Labcorp Genetics (formerly Invitae), Labcorp
Classification: Uncertain significance for Atrioventricular septal defect 5. Last evaluated: 2026-01-13. Review status: criteria provided, single submitter. Criteria: Invitae Variant Classification Sherloc (09022015). Collection method: clinical testing. Allele origin: germline.
Comment: This sequence change replaces glycine, which is neutral and non-polar, with alanine, which is neutral and non-polar, at codon 367 of the GATA6 protein (p.Gly367Ala). This variant is present in population databases (no rsID available, gnomAD 0.002%). This variant has not been reported in the literature in individuals affected with GATA6-related conditions. ClinVar contains an entry for this variant (Variation ID: 581351). Invitae Evidence Modeling of protein sequence and biophysical properties (such as structural, functional, and spatial information, amino acid conservation, physicochemical variation, residue mobility, and thermodynamic stability) indicates that this missense variant is not expected to disrupt GATA6 protein function with a negative predictive value of 80%. In summary, the available evidence is currently insufficient to determine the role of this variant in disease. Therefore, it has been classified as a Variant of Uncertain Significance.